The following is an entry in ClinVar:

NM_004260.4(RECQL4):c.3412C>T (p.Gln1138Ter)

Gene: RECQL4 (RecQ like helicase 4; minus strand). Cytogenetic location: 8q24.3.
Variant type: single nucleotide variant.
Coding change: c.3412C>T on transcript NM_004260.4 (MANE Select); coding-DNA position 3412, C replaced by T.
Protein change: p.Gln1138Ter; replaces glutamine 1138 with a stop codon.
Molecular consequence: nonsense. On other transcripts: non-coding transcript variant (3).
Genome position (GRCh38, 1-based): chr8:144,511,771, G>A on the plus strand (C>T on the coding strand, the complement: RECQL4 is on the minus strand). VCF-style: chr8-144511771-G-A. GRCh37 (hg19) VCF-style: chr8-145737154-G-A.
Other names: c.3118C>T, p.Gln1040Ter (NM_001413017.1); c.3214C>T, p.Gln1072Ter (NM_001413018.1); c.3487C>T, p.Gln1163Ter (NM_001413019.1); c.3316C>T, p.Gln1106Ter (NM_001413020.1); c.2341C>T, p.Gln781Ter (NM_001413021.1, NM_001413022.1, NM_001413024.1 and 4 more transcripts); c.2416C>T, p.Gln806Ter (NM_001413023.1); c.3283C>T, p.Gln1095Ter (NM_001413025.1); c.2275C>T, p.Gln759Ter (NM_001413027.1, NM_001413030.1, NM_001413032.1); and 9 more; short protein forms Q1040*, Q1094*, Q1095*, Q1138*, Q715*, Q784*, Q1021*, Q1072*.
Identifiers: ClinVar variation 5007290 (VCV005007290.2).

ClinVar aggregate classification (germline): Likely pathogenic (1 of 4 stars; one submission).

Conditions:
Rothmund-Thomson syndrome type 2 (RTS2). Identifiers: Orphanet 221016, MedGen C5203410, MONDO:0016369, OMIM 268400.
Rapadilino syndrome. Identifiers: Orphanet 3021, MedGen C1849453, MONDO:0009955, OMIM 266280.
Baller-Gerold syndrome (BGS). Also called: CRANIOSYNOSTOSIS WITH RADIAL DEFECTS. Identifiers: Orphanet 1225, MedGen C0265308, MONDO:0009039, OMIM 218600.

gnomAD v4.1: 1 of 1,612,464 alleles (0.000062%); highest among the groups gnomAD compares: African/African-American, 0.0013%; no homozygotes.

Submission:

Juno Genomics, Hangzhou Juno Genomics, Inc
Classification: Likely pathogenic for Baller-Gerold syndrome; Rapadilino syndrome; Rothmund-Thomson syndrome type 2. Review status: criteria provided, single submitter. Criteria: ACMG Guidelines, 2015. Collection method: clinical testing. Allele origin: germline.
Comment: Null variant in a gene where loss of function (LOF) is a known mechanism of disease.;Absent from controls (or at extremely low frequency if recessive) in Genome Aggregation Database.